The following is an entry in ClinVar:

ClinVar aggregate classification (germline): Uncertain significance (1 of 4 stars; one submission).

Conditions:
Hereditary cancer-predisposing syndrome. Also called: Hereditary neoplastic syndrome; Neoplastic Syndromes, Hereditary; Tumor predisposition; Hereditary Cancer Syndrome. Identifiers: Orphanet 140162, MedGen C0027672, MeSH D009386, MONDO:0015356.

Submission:

Ambry Genetics
Classification: Uncertain significance for Hereditary cancer-predisposing syndrome. Last evaluated: 2025-08-27. Review status: criteria provided, single submitter. Criteria: Ambry Variant Classification Scheme 2023. Collection method: clinical testing. Allele origin: germline.
Comment: The p.G321W variant (also known as c.961G>T), located in coding exon 11 of the MUTYH gene, results from a G to T substitution at nucleotide position 961. The glycine at codon 321 is replaced by tryptophan, an amino acid with highly dissimilar properties. This amino acid position is conserved. In addition, this alteration is predicted to be tolerated by in silico analysis. Based on the available evidence, the clinical significance of this variant remains unclear.

NM_001048174.2(MUTYH):c.877G>T (p.Gly293Trp)

Gene: MUTYH (mutY DNA glycosylase; minus strand). Cytogenetic location: 1p34.1.
Variant type: single nucleotide variant.
Coding change: c.877G>T on transcript NM_001048174.2 (MANE Select); coding-DNA position 877, G replaced by T.
Protein change: p.Gly293Trp; replaces glycine 293 with tryptophan.
Molecular consequence: missense variant. On other transcripts: non-coding transcript variant (7).
Genome position (GRCh38, 1-based): chr1:45,332,059, C>A on the plus strand (G>T on the coding strand, the complement: MUTYH is on the minus strand). VCF-style: chr1-45332059-C-A. GRCh37 (hg19) VCF-style: chr1-45797731-C-A.
Other names: c.601G>T, p.Gly201Trp (NM_001293192.2, NM_001293196.2, NM_001407091.1); c.877G>T, p.Gly293Trp (NM_001293195.2, NM_001407070.1, NM_001407072.1 and 6 more transcripts); c.532G>T, p.Gly178Trp (NM_001350650.2, NM_001350651.2, NM_001407082.1); c.910G>T, p.Gly304Trp (NM_001407069.1, NM_001293191.2, NM_001407077.1); c.880G>T, p.Gly294Trp (NM_001407071.1, NM_001407086.1, NM_001048172.2 and 1 more transcripts); c.898G>T, p.Gly300Trp (NM_001407087.1); c.952G>T, p.Gly318Trp (NM_012222.3); c.961G>T, p.Gly321Trp (NM_001128425.2); and 5 more; short protein forms G300W, G307W, G265W, G280W, G293W, G294W, G321W, G178W.
Identifiers: ClinVar variation 4113957 (VCV004113957.1).